The following is an entry in ClinVar:

ClinVar aggregate classification (germline): Conflicting classifications of pathogenicity. Review status: criteria provided, conflicting classifications (1 of 4 stars). 2 submissions from 2 submitters: Uncertain significance (1); Likely benign (1). Last evaluated 2024-12-19.

Conditions:
Amyotrophic lateral sclerosis type 6. Also called: FUS-Related Amyotrophic Laterial Sclerosis; Amyotrophic lateral sclerosis 6, with or without frontotemporal dementia; AMYOTROPHIC LATERAL SCLEROSIS 6 WITHOUT FRONTOTEMPORAL DEMENTIA. Identifiers: Orphanet 275872, Orphanet 803, MedGen C2931786, MONDO:0011951, OMIM 608030.
Tremor, hereditary essential, 4 (ETM4). Identifiers: MedGen C3539195, MONDO:0013888, OMIM 614782.
FUS-related disorder. Also called: FUS-related condition.

Allele frequency attached by ClinVar (database versions not stated): gnomAD 0.00001; TOPMed 0.00001; ExAC 0.00002; 1000 Genomes Project 0.00020; 1000 Genomes Project 30x 0.00031.
gnomAD v4.1: 7 of 1,614,078 alleles (0.00043%); highest among the groups gnomAD compares: Admixed American, 0.012%; no homozygotes.

Submissions (2):

PreventionGenetics, part of Exact Sciences
Classification: Uncertain significance for FUS-related condition. Last evaluated: 2024-12-19. Review status: criteria provided, single submitter. Criteria: ACMG Guidelines, 2015. Collection method: clinical testing. Allele origin: germline.
Comment: The FUS c.335+8G>C variant is predicted to interfere with splicing. To our knowledge, this variant has not been reported in the literature. This variant is reported in 0.017% of alleles in individuals of Latino descent in gnomAD. At this time, the clinical significance of this variant is uncertain due to the absence of conclusive functional and genetic evidence.

Labcorp Genetics (formerly Invitae), Labcorp
Classification: Likely benign for Tremor, hereditary essential, 4; Amyotrophic lateral sclerosis type 6. Last evaluated: 2024-10-17. Review status: criteria provided, single submitter. Criteria: Invitae Variant Classification Sherloc (09022015). Collection method: clinical testing. Allele origin: germline.

NM_004960.4(FUS):c.335+8G>C

Gene: FUS (FUS RNA binding protein; plus strand). Cytogenetic location: 16p11.2.
Variant type: single nucleotide variant.
Coding change: c.335+8G>C on transcript NM_004960.4 (MANE Select); 8 bases into the intron after coding-DNA position 335, G replaced by C.
Molecular consequence: intron variant.
Genome position (GRCh38, 1-based): chr16:31,184,010, G>C. VCF-style: chr16-31184010-G-C. GRCh37 (hg19) VCF-style: chr16-31195331-G-C.
Other names: c.335+8G>C (NM_001170937.1, NM_004960.3); c.332+8G>C (NM_001170634.1).
Identifiers: ClinVar variation 2926205 (VCV002926205.4), dbSNP rs201823514, ClinGen allele CA8023571.
Genomic context (GRCh38, chr16:31,184,010, plus strand): 5'-TCCTCCTACCCTGGCTATGGCCAGCAGCCAGCTCCCAGCAGCACCTCGGGAAGGTACGGT[G>C]GTGTTGATGTCGGGGAAGGCTTGAAAAGAGGGGTGAATTGATGAGGAATGATAAAGGGAC-3'